The following is an entry in ClinVar:

NM_005228.5(EGFR):c.1881-818C>T

Gene: EGFR (epidermal growth factor receptor; plus strand). Cytogenetic location: 7p11.2.
Variant type: single nucleotide variant.
Coding change: c.1881-818C>T on transcript NM_005228.5 (MANE Select); 818 bases into the intron before coding-DNA position 1881, C replaced by T.
Molecular consequence: intron variant. On other transcripts: missense variant (1).
Genome position (GRCh38, 1-based): chr7:55,170,357, C>T. VCF-style: chr7-55170357-C-T. GRCh37 (hg19) VCF-style: chr7-55238050-C-T.
Other names: c.1931C>T, p.Ser644Leu (NM_201284.2); c.1746-818C>T (NM_001346899.2, NM_001346897.2); c.1080-818C>T (NM_001346941.2); c.1881-818C>T (NM_001346898.2); c.1722-818C>T (NM_001346900.2); short protein forms S644L.
Identifiers: ClinVar variation 5035763 (VCV005035763.1).

ClinVar aggregate classification (germline): Uncertain significance (1 of 4 stars; one submission).

Conditions:
Hereditary cancer-predisposing syndrome. Also called: Hereditary Cancer Syndrome; Neoplastic Syndromes, Hereditary; Tumor predisposition; Hereditary neoplastic syndrome. Identifiers: Orphanet 140162, MedGen C0027672, MeSH D009386, MONDO:0015356.

gnomAD v4.1: 11 of 1,614,070 alleles (0.00068%); highest among the groups gnomAD compares: Admixed American, 0.01%; no homozygotes.

Submission:

Ambry Genetics
Classification: Uncertain significance for Hereditary cancer-predisposing syndrome. Last evaluated: 2026-07-07. Review status: criteria provided, single submitter. Criteria: Ambry Variant Classification Scheme 2023. Collection method: clinical testing. Allele origin: germline.
Comment: The p.S644L variant (also known as c.1931C>T), located in coding exon 16 of the EGFR gene, results from a C to T substitution at nucleotide position 1931. The serine at codon 644 is replaced by leucine, an amino acid with dissimilar properties. This amino acid position is conserved. In addition, this alteration is predicted to be tolerated by in silico analysis. Based on the available evidence, the clinical significance of this variant remains unclear.